The following is an entry in ClinVar:

ClinVar aggregate classification (germline): Uncertain significance (1 of 4 stars; one submission).

Conditions:
Severe combined immunodeficiency due to CORO1A deficiency. Also called: IMMUNODEFICIENCY 8 WITH LYMPHOPROLIFERATION; Immunodeficiency 8. Identifiers: Orphanet 228003, MedGen C3809383, MONDO:0014168, OMIM 615401.

Allele frequency attached by ClinVar (database versions not stated): TOPMed below 0.00001; gnomAD exomes 0.00001.

Submission:

Labcorp Genetics (formerly Invitae), Labcorp
Classification: Uncertain significance for Severe combined immunodeficiency due to CORO1A deficiency. Last evaluated: 2022-02-05. Review status: criteria provided, single submitter. Criteria: Invitae Variant Classification Sherloc (09022015). Collection method: clinical testing. Allele origin: germline.
Comment: Algorithms developed to predict the effect of missense changes on protein structure and function output the following: SIFT: "Tolerated"; PolyPhen-2: "Benign"; Align-GVGD: "Class C0". The threonine amino acid residue is found in multiple mammalian species, which suggests that this missense change does not adversely affect protein function. In summary, the available evidence is currently insufficient to determine the role of this variant in disease. Therefore, it has been classified as a Variant of Uncertain Significance. This variant has not been reported in the literature in individuals affected with CORO1A-related conditions. The frequency data for this variant in the population databases is considered unreliable, as metrics indicate poor data quality at this position in the gnomAD database. This sequence change replaces methionine, which is neutral and non-polar, with threonine, which is neutral and polar, at codon 117 of the CORO1A protein (p.Met117Thr).

NM_007074.4(CORO1A):c.350T>C (p.Met117Thr)

Gene: CORO1A (coronin 1A; plus strand). Cytogenetic location: 16p11.2.
Variant type: single nucleotide variant.
Coding change: c.350T>C on transcript NM_007074.4 (MANE Select); coding-DNA position 350, T replaced by C.
Protein change: p.Met117Thr; replaces methionine 117 with threonine.
Molecular consequence: missense variant.
Genome position (GRCh38, 1-based): chr16:30,186,844, T>C. VCF-style: chr16-30186844-T-C. GRCh37 (hg19) VCF-style: chr16-30198165-T-C.
Other names: c.350T>C, p.Met117Thr (NM_001193333.3); short protein forms M117T.
Identifiers: ClinVar variation 1930547 (VCV001930547.5), dbSNP rs1007882200, ClinGen allele CA280449883.